The following is an entry in ClinVar:

ClinVar aggregate classification (germline): Benign/Likely benign. Review status: criteria provided, multiple submitters, no conflicts (2 of 4 stars). 3 submissions from 3 submitters: Benign (1); Likely benign (2). Last evaluated 2024-04-19.

Conditions:
Familial cancer of breast. Also called: BREAST CANCER, FAMILIAL; Hereditary breast cancer; hereditary breast carcinoma. Identifiers: Orphanet 227535, MedGen C0346153, MONDO:0016419, OMIM 114480. Disease mechanism: loss of function.
Ataxia-telangiectasia syndrome (AT). Also called: Cerebello-oculocutaneous telangiectasia; Immunodeficiency with ataxia telangiectasia; Ataxia telangiectasia (A-T); Ataxia-telangiectasia, complementation group E; LOUIS-BAR SYNDROME; Ataxia-telangiectasia. Identifiers: Orphanet 100, MedGen C0004135, MONDO:0008840, OMIM 208900.
Hereditary cancer-predisposing syndrome. Also called: Neoplastic Syndromes, Hereditary; Hereditary neoplastic syndrome; Tumor predisposition; Hereditary Cancer Syndrome. Identifiers: Orphanet 140162, MedGen C0027672, MeSH D009386, MONDO:0015356.

Submissions (3):

Myriad Genetics, Inc.
Classification: Benign for Familial cancer of breast. Last evaluated: 2024-04-19. Review status: criteria provided, single submitter. Criteria: Myriad Autosomal Dominant, Autosomal Recessive and X-Linked Classification Criteria (2023). Collection method: clinical testing. Allele origin: unknown.
Comment: This variant is considered benign. This variant is a silent/synonymous amino acid change and it is not expected to impact splicing.

Labcorp Genetics (formerly Invitae), Labcorp
Classification: Likely benign for Ataxia-telangiectasia syndrome. Last evaluated: 2023-11-02. Review status: criteria provided, single submitter. Criteria: Invitae Variant Classification Sherloc (09022015). Collection method: clinical testing. Allele origin: germline.

Ambry Genetics
Classification: Likely benign for Hereditary cancer-predisposing syndrome. Last evaluated: 2023-03-19. Review status: criteria provided, single submitter. Criteria: Ambry Variant Classification Scheme 2023. Collection method: clinical testing. Allele origin: germline.

NM_000051.4(ATM):c.420T>C (p.Asp140=)

Gene: ATM (ATM serine/threonine kinase; plus strand). Cytogenetic location: 11q22.3.
Variant type: single nucleotide variant.
Coding change: c.420T>C on transcript NM_000051.4 (MANE Select); coding-DNA position 420, T replaced by C.
Protein change: p.Asp140=; no amino-acid change (aspartic acid 140 retained).
Molecular consequence: synonymous variant.
Genome position (GRCh38, 1-based): chr11:108,235,758, T>C. VCF-style: chr11-108235758-T-C. GRCh37 (hg19) VCF-style: chr11-108106485-T-C.
Other names: c.420T>C (NM_000051.3); c.420T>C, p.Asp140= (NM_001351834.2).
Identifiers: ClinVar variation 1615315 (VCV001615315.10), dbSNP rs1591475108, ClinGen allele CA476670390.